The following is an entry in ClinVar:

ClinVar aggregate classification (germline): Likely benign. Review status: criteria provided, multiple submitters, no conflicts (2 of 4 stars). 6 submissions from 6 submitters: Likely benign (5). 1 of the submissions does not count toward it. Last evaluated 2026-03-01.

Conditions:
Early-infantile DEE. Also called: Early infantile epileptic encephalopathy; Ohtahara syndrome; Early infantile epileptic encephalopathy with suppression bursts. Identifiers: Orphanet 1934, MedGen C0393706, MONDO:0800491.
GNAO1-related disorder. Also called: GNAO1-related condition; GNAO1-Related Disorders. Identifiers: MedGen CN381308.
Inborn genetic diseases. Identifiers: MedGen C0950123, MeSH D030342.

Allele frequency attached by ClinVar (database versions not stated): ExAC 0.00037; gnomAD exomes 0.00037 and 0.00058; ESP Exome Variant Server 0.00023; TOPMed 0.00026; gnomAD 0.00031.
gnomAD v4.1: 879 of 1,605,732 alleles (0.055%); highest among the groups gnomAD compares: Non-Finnish European, 0.068%; 1 homozygote.

Submissions (6):

CeGaT Center for Human Genetics Tuebingen
Classification: Likely benign. Last evaluated: 2026-03-01. Review status: criteria provided, single submitter. Criteria: CeGaT Center For Human Genetics Tuebingen Variant Classification Criteria Version 2. Collection method: clinical testing. Allele origin: germline. Affected: yes. Observed: 10 variant alleles.
Comment: GNAO1: BP4, BP7

Labcorp Genetics (formerly Invitae), Labcorp
Classification: Likely benign for Early-infantile DEE. Last evaluated: 2026-01-24. Review status: criteria provided, single submitter. Criteria: Invitae Variant Classification Sherloc (09022015). Collection method: clinical testing. Allele origin: germline.

Blueprint Genetics
Classification: Likely benign. Last evaluated: 2024-11-06. Review status: criteria provided, single submitter. Criteria: ACMG Guidelines, 2015. Collection method: clinical testing. Allele origin: germline.

GeneDx
Classification: Likely benign. Last evaluated: 2021-04-09. Review status: criteria provided, single submitter. Criteria: GeneDx Variant Classification Process June 2021. Collection method: clinical testing. Allele origin: germline. Affected: yes.

Ambry Genetics
Classification: Likely benign for Inborn genetic diseases. Last evaluated: 2016-07-25. Review status: criteria provided, single submitter. Criteria: Ambry Variant Classification Scheme 2023. Collection method: clinical testing. Allele origin: germline.

PreventionGenetics, part of Exact Sciences
Classification: Likely benign for GNAO1-related condition. Last evaluated: 2020-01-02. Review status: no assertion criteria provided. Collection method: clinical testing. Allele origin: germline. Not counted in ClinVar's aggregate classification.
Comment: This variant is classified as likely benign based on ACMG/AMP sequence variant interpretation guidelines (Richards et al. 2015 PMID: 25741868, with internal and published modifications).

NM_020988.3(GNAO1):c.27G>A (p.Glu9=)

Gene: GNAO1 (G protein subunit alpha o1; plus strand). Cytogenetic location: 16q13.
Variant type: single nucleotide variant.
Coding change: c.27G>A on transcript NM_020988.3 (MANE Select); coding-DNA position 27, G replaced by A.
Protein change: p.Glu9=; no amino-acid change (glutamic acid 9 retained).
Molecular consequence: synonymous variant.
Genome position (GRCh38, 1-based): chr16:56,192,262, G>A. VCF-style: chr16-56192262-G-A. GRCh37 (hg19) VCF-style: chr16-56226174-G-A.
Other names: c.27G>A, p.Glu9= (NM_138736.3).
Identifiers: ClinVar variation 461353 (VCV000461353.59), dbSNP rs139334934, ClinGen allele CA8063630.